The following is an entry in ClinVar:

ClinVar aggregate classification (germline): Uncertain significance (1 of 4 stars; one submission).

Conditions:
MELAS syndrome (MELAS). Also called: Juvenile myopathy, encephalopathy, lactic acidosis, stroke. Identifiers: Orphanet 550, MedGen C0162671, MONDO:0010789, OMIM 540000.

Submission:

Wong Mito Lab, Molecular and Human Genetics, Baylor College of Medicine
Classification: Uncertain significance for MELAS syndrome. Last evaluated: 2019-07-12. Review status: criteria provided, single submitter. Criteria: Modified ACMG Guidelines (Unpublished). Collection method: clinical testing. Allele origin: germline.
Comment: The NC_012920.1:m.3252A>T variant in MT-TL1 gene is interpreted to be a Unknown Significance variant based on the modified ACMG guidelines (unpublished). This variant meets the following evidence codes reported in the guidelines: PM2, PM9, PP6

Literature cited by the submitters: PubMed 31965079.

NC_012920.1(MT-TL1):m.3252A>T

Gene: MT-TL1 (mitochondrially encoded tRNA leucine 1 (UUA/G); plus strand).
Variant type: single nucleotide variant.
Genome position: chrM-3252-A-T.
Identifiers: ClinVar variation 689858 (VCV000689858.1), dbSNP rs199474661, ClinGen allele CA913168996.